The following is an entry in ClinVar:

NC_000007.13:g.(?_97816327)_(98493463_?)dup

Genes: BAIAP2L1 (BAR/IMD domain containing adaptor protein 2 like 1; minus strand), BHLHA15 (basic helix-loop-helix family member a15; plus strand), BRI3 (brain protein I3; plus strand), LMTK2 (lemur tyrosine kinase 2; plus strand), NPTX2 (neuronal pentraxin 2; plus strand) and 3 more. Cytogenetic location: 7q21.3-22.1.
Variant type: Duplication.
Identifiers: ClinVar variation 3245876 (VCV003245876.1).

ClinVar aggregate classification (germline): Uncertain significance (1 of 4 stars; one submission).

Submission:

Labcorp Genetics (formerly Invitae), Labcorp
Classification: Uncertain significance. Last evaluated: 2023-07-10. Review status: criteria provided, single submitter. Criteria: Invitae Variant Classification Sherloc (09022015). Collection method: clinical testing. Allele origin: unknown.
Comment: This variant results in a copy number gain of the genomic region encompassing exon(s) 1-7 of the TRRAP gene. This region includes the initiator codon of the gene. This copy number gain extends beyond the assayed region for this gene and therefore may encompass additional genes. As the precise location of this event is unknown, it may be in tandem or it may be located elsewhere in the genome. This variant has not been reported in the literature in individuals affected with TRRAP-related conditions. In summary, the available evidence is currently insufficient to determine the role of this variant in disease. Therefore, it has been classified as a Variant of Uncertain Significance.